The following is an entry in ClinVar:

NM_001197104.2(KMT2A):c.11633A>T (p.Tyr3878Phe)

Genes: KMT2A (lysine methyltransferase 2A; plus strand), TTC36-AS1 (TTC36 and KMT2A antisense RNA 1; minus strand). Cytogenetic location: 11q23.3.
Variant type: single nucleotide variant.
Coding change: c.11633A>T on transcript NM_001197104.2 (MANE Select); coding-DNA position 11633, A replaced by T.
Protein change: p.Tyr3878Phe; replaces tyrosine 3878 with phenylalanine.
Molecular consequence: missense variant.
Genome position (GRCh38, 1-based): chr11:118,521,407, A>T. VCF-style: chr11-118521407-A-T. GRCh37 (hg19) VCF-style: chr11-118392122-A-T.
Other names: c.11723A>T, p.Tyr3908Phe (NM_001412597.1); c.11624A>T, p.Tyr3875Phe (NM_005933.4); short protein forms Y3875F, Y3908F, Y3878F.
Identifiers: ClinVar variation 2818312 (VCV002818312.3), dbSNP rs2135294928, ClinGen allele CA382835863.
Genomic context (GRCh38, chr11:118,521,407, plus strand): 5'-TGATTGAGTATGCCGGCAACGTCATCCGCTCCATCCAGACTGACAAGCGGGAAAAGTATT[A>T]CGACAGCAAGGTAAGTCTCCCACTTGCACTCACACAGTTCTTTTGTTTTGCTGTAGAAAG-3'
Protein context (NP_001184033.1, residues 3868-3888): SIQTDKREKY[Tyr3878Phe]DSKGIGCYMF

ClinVar aggregate classification (germline): Uncertain significance (1 of 4 stars; one submission).

Submission:

Labcorp Genetics (formerly Invitae), Labcorp
Classification: Uncertain significance. Last evaluated: 2022-12-28. Review status: criteria provided, single submitter. Criteria: Invitae Variant Classification Sherloc (09022015). Collection method: clinical testing. Allele origin: germline.
Comment: This sequence change replaces tyrosine, which is neutral and polar, with phenylalanine, which is neutral and non-polar, at codon 3878 of the KMT2A protein (p.Tyr3878Phe). This variant is not present in population databases (gnomAD no frequency). This variant has not been reported in the literature in individuals affected with KMT2A-related conditions. Advanced modeling of protein sequence and biophysical properties (such as structural, functional, and spatial information, amino acid conservation, physicochemical variation, residue mobility, and thermodynamic stability) has been performed at Invitae for this missense variant, however the output from this modeling did not meet the statistical confidence thresholds required to predict the impact of this variant on KMT2A protein function. In summary, the available evidence is currently insufficient to determine the role of this variant in disease. Therefore, it has been classified as a Variant of Uncertain Significance.